The following is an entry in ClinVar:

NM_145117.5(NAV2):c.51C>G (p.Pro17=)

Genes: LEISA1 (lncRNA enhancing IL-6/STAT3 signaling activation 1; minus strand), NAV2 (neuron navigator 2; plus strand). Cytogenetic location: 11p15.1.
Variant type: single nucleotide variant.
Coding change: c.51C>G on transcript NM_145117.5 (MANE Select); coding-DNA position 51, C replaced by G.
Protein change: p.Pro17=; no amino-acid change (proline 17 retained).
Molecular consequence: synonymous variant. On other transcripts: non-coding transcript variant (1), intron variant (1).
Genome position (GRCh38, 1-based): chr11:19,713,746, C>G. VCF-style: chr11-19713746-C-G. GRCh37 (hg19) VCF-style: chr11-19735292-C-G.
Other names: c.51C>G, p.Pro17= (NM_001244963.2, NM_182964.6); c.76-118738C>G (NM_001111018.2).
Identifiers: ClinVar variation 3051618 (VCV003051618.2), dbSNP rs184978478, ClinGen allele CA5917400.
Genomic context (GRCh38, chr11:19,713,746, plus strand): 5'-CCGGGAGAAGATGCCGGCCATCCTGGTCGCCTCCAAAATGAAGTCGGGACTGCCCAAACC[C>G]GTGCACAGCGCCGCGCCCATCCTGCACGTGCCCCCGGCCCGGGCGGGCCCCCAGCCCTGC-3'
Protein context (NP_660093.2, residues 7-27): ASKMKSGLPK[Pro17=]VHSAAPILHV

ClinVar aggregate classification (germline): Benign (0 of 4 stars; one submission).

Conditions:
NAV2-related disorder. Also called: NAV2-related condition.

Allele frequency attached by ClinVar (database versions not stated): 1000 Genomes Project 30x 0.00390; 1000 Genomes Project 0.00459.
gnomAD v4.1: 1,039 of 1,611,144 alleles (0.064%); highest among the groups gnomAD compares: East Asian, 1.9%; 18 homozygotes.

Submission:

PreventionGenetics, part of Exact Sciences
Classification: Benign for NAV2-related condition. Last evaluated: 2020-01-13. Review status: no assertion criteria provided. Collection method: clinical testing. Allele origin: germline.
Comment: This variant is classified as benign based on ACMG/AMP sequence variant interpretation guidelines (Richards et al. 2015 PMID: 25741868, with internal and published modifications).